The following is an entry in ClinVar:

ClinVar aggregate classification (germline): Uncertain significance (1 of 4 stars; one submission).

Allele frequency attached by ClinVar (database versions not stated): gnomAD exomes 0.00001; TOPMed 0.00003; gnomAD 0.00004; ExAC 0.00001; ESP Exome Variant Server 0.00009.
gnomAD v4.1: 8 of 1,210,142 alleles (0.00066%); highest among the groups gnomAD compares: Admixed American, 0.011%; no homozygotes.

Submission:

Labcorp Genetics (formerly Invitae), Labcorp
Classification: Uncertain significance. Last evaluated: 2025-04-08. Review status: criteria provided, single submitter. Criteria: Invitae Variant Classification Sherloc (09022015). Collection method: clinical testing. Allele origin: germline.
Comment: This sequence change replaces phenylalanine, which is neutral and non-polar, with leucine, which is neutral and non-polar, at codon 200 of the TLR7 protein (p.Phe200Leu). This variant is present in population databases (rs138717086, gnomAD 0.01%). This variant has not been reported in the literature in individuals affected with TLR7-related conditions. ClinVar contains an entry for this variant (Variation ID: 2868502). An algorithm developed to predict the effect of missense changes on protein structure and function (PolyPhen-2) suggests that this variant is likely to be disruptive. In summary, the available evidence is currently insufficient to determine the role of this variant in disease. Therefore, it has been classified as a Variant of Uncertain Significance.

NM_016562.4(TLR7):c.598T>C (p.Phe200Leu)

Gene: TLR7 (toll like receptor 7; plus strand). Cytogenetic location: Xp22.2.
Variant type: single nucleotide variant.
Coding change: c.598T>C on transcript NM_016562.4 (MANE Select); coding-DNA position 598, T replaced by C.
Protein change: p.Phe200Leu; replaces phenylalanine 200 with leucine.
Molecular consequence: missense variant.
Genome position (GRCh38, 1-based): chrX:12,886,106, T>C. VCF-style: chrX-12886106-T-C. GRCh37 (hg19) VCF-style: chrX-12904225-T-C.
Other names: short protein forms F200L.
Identifiers: ClinVar variation 2868502 (VCV002868502.3), dbSNP rs138717086, ClinGen allele CA10349942.